The following is an entry in ClinVar:

NM_001267550.2(TTN):c.95195C>T (p.Pro31732Leu)

Genes: TTN (titin; minus strand), TTN-AS1 (TTN antisense RNA 1; plus strand). Cytogenetic location: 2q31.2.
Variant type: single nucleotide variant.
Coding change: c.95195C>T on transcript NM_001267550.2 (MANE Select); coding-DNA position 95195, C replaced by T.
Protein change: p.Pro31732Leu; replaces proline 31732 with leucine.
Molecular consequence: missense variant.
Genome position (GRCh38, 1-based): chr2:178,546,041, G>A on the plus strand (C>T on the coding strand, the complement: TTN is on the minus strand). VCF-style: chr2-178546041-G-A. GRCh37 (hg19) VCF-style: chr2-179410768-G-A.
Other names: Q8WZ42.4:p.Pro30091Leu; c.90272C>T, p.Pro30091Leu (NM_001256850.1); c.68000C>T, p.Pro22667Leu (NM_003319.4); c.87491C>T, p.Pro29164Leu (NM_133378.4); c.68375C>T, p.Pro22792Leu (NM_133432.3); c.68576C>T, p.Pro22859Leu (NM_133437.4); c.95195C>T (NM_001267550.1); short protein forms P31732L, P29164L, P22792L, P22859L, P30091L, P22667L.
Identifiers: ClinVar variation 132137 (VCV000132137.74), dbSNP rs753334568, ClinGen allele CA358828.
Genomic context (GRCh38, chr2:178,546,041, plus strand): 5'-CTGCTAGTCTCGCGTCTTTCCACGATGTAGTGAGTGATTTCTGCTCCTCCGTCTTCCTGC[G>A]GAAGGCTCCAGGCTAAAGTGCACTTCTCCTGTGTTACTCTGCTGACGGTGAGCTTTCCAC-3'
Protein context (NP_001254479.2, residues 31722-31742): QEKCTLAWSL[Pro31732Leu]QEDGGAEITH

ClinVar aggregate classification (germline): Pathogenic/Likely pathogenic. Review status: criteria provided, multiple submitters, no conflicts (2 of 4 stars). 20 submissions from 20 submitters: Pathogenic (11); Likely pathogenic (8). 1 of the submissions does not count toward it. Last evaluated 2026-11-06.

Conditions:
TTN-related disorder. Also called: TTN-related disorders; TTN-related condition; TTN-related disease.
Cardiovascular phenotype. Identifiers: MedGen CN230736.
Autosomal dominant and autosomal recessive TTN-related disorders.
Hereditary inclusion-body myopathy. Also called: Inclusion myopathy. Identifiers: Orphanet 206662, MedGen C5680794, MONDO:0016112.
Primary familial dilated cardiomyopathy (FDC). Also called: Hypokinetic dilated cardiomyopathy, familial; Familial dilated cardiomyopathy. Identifiers: Orphanet 217607, MedGen C0340427, MONDO:0016333.
Autosomal recessive limb-girdle muscular dystrophy type 2J (LGMDR10). Also called: Limb-girdle muscular dystrophy, type 2J; MUSCULAR DYSTROPHY, LIMB-GIRDLE, AUTOSOMAL RECESSIVE 10. Identifiers: Orphanet 140922, MedGen C1837342, MONDO:0012127, OMIM 608807.
Dilated cardiomyopathy 1G (CMD1G). Identifiers: Orphanet 154, MedGen C1858763, MONDO:0011400, OMIM 604145.
Myopathy, myofibrillar, 9, with early respiratory failure (MFM9). Also called: Hereditary myopathy with early respiratory failure; Myopathy, distal, with early respiratory failure, autosomal dominant; MYOPATHY, PROXIMAL, WITH EARLY RESPIRATORY MUSCLE INVOLVEMENT; EDSTROM MYOPATHY. Identifiers: Orphanet 178464, Orphanet 34521, MedGen C1863599, MONDO:0011362, OMIM 603689.
Hypertrophic cardiomyopathy 9. Also called: Familial hypertrophic cardiomyopathy 9. Identifiers: MedGen C1861065, MONDO:0013412, OMIM 613765.
Tibial muscular dystrophy (TMD). Also called: Tibial muscular dystrophy, tardive; Udd Distal Myopathy – Tibial Muscular Dystrophy; UDD MYOPATHY. Identifiers: Orphanet 609, MedGen C1838244, MONDO:0010870, OMIM 600334.
Early-onset myopathy with fatal cardiomyopathy (CMYO5). Also called: Salih Myopathy; CONGENITAL MYOPATHY 5 WITH CARDIOMYOPATHY. Identifiers: Orphanet 289377, MedGen C2673677, MONDO:0012714, OMIM 611705. Disease mechanism: loss of function.

Allele frequency attached by ClinVar (database versions not stated): gnomAD 0.00001; ExAC 0.00002; gnomAD exomes 0.00001; TOPMed 0.00001.
gnomAD v4.1: 15 of 1,613,628 alleles (0.00093%); highest among the groups gnomAD compares: Admixed American, 0.0017%; no homozygotes.

Submissions 1 to 5 of 20:

Clinical Genetics Laboratory, Skane University Hospital Lund
Classification: Pathogenic for Myopathy, myofibrillar, 9, with early respiratory failure. Last evaluated: 2026-11-06. Review status: criteria provided, single submitter. Criteria: ACMG Guidelines, 2015. Collection method: clinical testing. Allele origin: germline. Affected: yes.
Comment: ACMG-criteria used: PS3, PM1, PM2, PM3, PP1_Moderate, PP3.

Mendelics
Classification: Pathogenic for Early-onset myopathy with fatal cardiomyopathy. Last evaluated: 2026-03-05. Review status: criteria provided, single submitter. Criteria: ACMG Guidelines, 2015. Collection method: clinical testing. Allele origin: unknown.
Comment: Likely pathogenic/Pathogenic according to ACMG criteria.

Labcorp Genetics (formerly Invitae), Labcorp
Classification: Pathogenic for Dilated cardiomyopathy 1G; Autosomal recessive limb-girdle muscular dystrophy type 2J. Last evaluated: 2025-11-06. Review status: criteria provided, single submitter. Criteria: Invitae Variant Classification Sherloc (09022015). Collection method: clinical testing. Allele origin: germline.
Comment: This sequence change replaces proline, which is neutral and non-polar, with leucine, which is neutral and non-polar, at codon 31732 of the TTN protein (p.Pro31732Leu). This variant is present in population databases (rs753334568, gnomAD 0.003%). This missense change has been observed in individual(s) with hereditary myopathy with early respiratory failure (HMERF) (PMID: 22526018, 23486992, 23606733, 25500009). In at least one individual the variant was observed to be de novo. This variant is also known as c.90272C>T (p.Pro30091Leu) and c.68576C>T (p.Pro22859Leu). ClinVar contains an entry for this variant (Variation ID: 132137). Algorithms developed to predict the effect of variants on gene product structure and function are not available or were not evaluated for this variant. Experimental studies have shown that this missense change affects TTN function (PMID: 24636144). This variant is located in the A band of TTN (PMID: 25589632). Variants in this region may be relevant for cardiac or neuromuscular disorders (PMID: 25589632, 23975875). For these reasons, this variant has been classified as Pathogenic.

Variantyx, Inc.
Classification: Likely pathogenic for Autosomal dominant and autosomal recessive TTN-related disorders. Last evaluated: 2025-03-17. Review status: criteria provided, single submitter. Criteria: Variantyx Assertion Criteria 2022. Collection method: clinical testing. Allele origin: germline. Inheritance: Autosomal dominant inheritance.
Comment: This is a nonsynonymous variant in the TTN gene (OMIM: 188840). Pathogenic variants in this gene have been associated with autosomal dominant and autosomal recessive TTN-related disorders. Functional studies have shown that this variant alters TTN protein function (PMID: 24636144, 33449170) (PS3), and multiple computational algorithms predict a deleterious effect for this variant (REVEL score: 0.727) (PP3). This variant has a 0.0017% maximum allele frequency in non-founder control populations (PM2). It has been identified in the homozygous in at least 4 individuals reported in the published literature (PMID: 33449170, 23606733) (PM3), andhas also been reported in the heterozygous state in unrelated affected individuals with hereditary myofibrillar myopathy-9 with early respiratory failure(PMID: 22526018, 23486992, 38655354, 34839411). Inheritance from an unaffected or mildly affected parent has been reported, consistent with incomplete penetrance and variable expressivity (PMID: 33449170). Based on the current evidence, this variant is classified as likely pathogenic for autosomal dominant and autosomal recessive TTN-related disorders.

Victorian Clinical Genetics Services, Murdoch Childrens Research Institute
Classification: Pathogenic for Myopathy, myofibrillar, 9, with early respiratory failure. Last evaluated: 2024-10-09. Review status: criteria provided, single submitter. Criteria: ACMG Guidelines, 2015. Collection method: clinical testing. Allele origin: germline. Inheritance: Autosomal dominant inheritance. Affected: yes.
Comment: Based on the classification scheme VCGS_Germline_v1.3.4, this variant is classified as Pathogenic. Following criteria are met: 0102 - Loss of function is known mechanism of disease in this gene. In addition, dominant-negative is also a suggested mechanism. (PMID: 25589632). (I) 0108 - This gene is associated with both recessive and dominant disease (OMIM). (I) 0112 - The condition associated with this gene has incomplete penetrance. Variants in this gene that result in a premature truncating codon (PTC) are known to have reduced penetrance in DCM (PMID: 25589632). (I) 0200 - Variant is predicted to result in a missense amino acid change from proline to leucine. (I) 0251 - This variant is heterozygous. (I) 0304 - Variant is present in gnomAD (v2) <0.001 (3 heterozygotes, 0 homozygotes). (SP) 0502 - Missense variant with conflicting in silico predictions or uninformative conservation. (I) 0600 - Variant is located in the annotated C-terminal A-band and the exon has a PSI score of 100% (PMID: 25589632). (I) 0801 - This variant has strong previous evidence of pathogenicity in unrelated individuals. This variant has been reported as pathogenic and likely pathogenic in ClinVar and in over five unrelated individuals with hereditary myopathy with early respiratory failure in homozygous and heterozygous state, including de novo occurrence (PMID:23606733, PMID: 23486992, PMID: 25500009, PMID: 34670883, PMID: 34839411, PMID: 35741838, PMID: 33449170, PMID: 22526018, PMID: 28256728). Heterozygous individuals were reported to have a milder phenotype, subclinical disease or were unaffected, suggesting this variant exhibits variable expressivity and reduced penetrance (PMID:23606733, PMID: 23486992). (SP) 1002 - This variant has moderate functional evidence supporting abnormal protein function. Functional studies suggest that this variant impacts protein folding (PMID: 24636144, PMID: 33449170). (SP) 1208 - Inheritance information for this variant is not currently available in this individual. (I) Legend: (SP) - Supporting pathogenic, (I) - Information, (SB) - Supporting benign